The following is an entry in ClinVar:

ClinVar aggregate classification (germline): Benign/Likely benign. Review status: criteria provided, multiple submitters, no conflicts (2 of 4 stars). 5 submissions from 5 submitters: Benign (2); Likely benign (3). Last evaluated 2026-01-16.

Conditions:
TSC1-related disorder. Also called: TSC1-related condition.
Hereditary cancer-predisposing syndrome. Also called: Tumor predisposition; Hereditary neoplastic syndrome; Neoplastic Syndromes, Hereditary; Hereditary Cancer Syndrome. Identifiers: Orphanet 140162, MedGen C0027672, MeSH D009386, MONDO:0015356.
Tuberous sclerosis 1 (TSC1). Identifiers: Orphanet 805, MedGen C1854465, MONDO:0008612, OMIM 191100.

Allele frequency attached by ClinVar (database versions not stated): gnomAD exomes below 0.00001; TOPMed below 0.00001; gnomAD 0.00001.
gnomAD v4.1: 2 of 1,614,094 alleles (0.00012%); highest among the groups gnomAD compares: Admixed American, 0.0017%; no homozygotes.

Submissions (5):

PreventionGenetics, part of Exact Sciences
Classification: Likely benign for TSC1-related condition. Last evaluated: 2026-01-16. Review status: criteria provided, single submitter. Criteria: ACMG Guidelines, 2015. Collection method: clinical testing. Allele origin: germline.
Comment: This variant is classified as likely benign based on ACMG/AMP sequence variant interpretation guidelines (Richards et al. 2015 PMID: 25741868, with internal and published modifications).

Labcorp Genetics (formerly Invitae), Labcorp
Classification: Likely benign for Tuberous sclerosis 1. Last evaluated: 2025-12-02. Review status: criteria provided, single submitter. Criteria: Invitae Variant Classification Sherloc (09022015). Collection method: clinical testing. Allele origin: germline.

Myriad Genetics, Inc.
Classification: Benign for Tuberous sclerosis 1. Last evaluated: 2025-04-09. Review status: criteria provided, single submitter. Criteria: Myriad Autosomal Dominant, Autosomal Recessive and X-Linked Classification Criteria (2023). Collection method: clinical testing. Allele origin: unknown.
Comment: This variant is considered benign. This variant is a silent/synonymous amino acid change and it is not expected to impact splicing.

KCCC/NGS Laboratory, Kuwait Cancer Control Center
Classification: Benign for Tuberous sclerosis 1. Last evaluated: 2025-02-01. Review status: criteria provided, single submitter. Criteria: ACMG Guidelines, 2015. Collection method: clinical testing. Allele origin: germline. Affected: no.

Ambry Genetics
Classification: Likely benign for Hereditary cancer-predisposing syndrome. Last evaluated: 2021-06-17. Review status: criteria provided, single submitter. Criteria: Ambry Variant Classification Scheme 2023. Collection method: clinical testing. Allele origin: germline.

NM_000368.5(TSC1):c.1305A>G (p.Gln435=)

Gene: TSC1 (TSC complex subunit 1; minus strand). Cytogenetic location: 9q34.13.
Variant type: single nucleotide variant.
Coding change: c.1305A>G on transcript NM_000368.5 (MANE Select); coding-DNA position 1305, A replaced by G.
Protein change: p.Gln435=; no amino-acid change (glutamine 435 retained).
Molecular consequence: synonymous variant.
Genome position (GRCh38, 1-based): chr9:132,907,329, T>C on the plus strand (A>G on the coding strand, the complement: TSC1 is on the minus strand). VCF-style: chr9-132907329-T-C. GRCh37 (hg19) VCF-style: chr9-135782716-T-C.
Other names: c.1302A>G, p.Gln434= (NM_001162426.2); c.1152A>G, p.Gln384= (NM_001162427.2); c.942A>G, p.Gln314= (NM_001362177.2).
Identifiers: ClinVar variation 466022 (VCV000466022.16), dbSNP rs1334781311, ClinGen allele CA467592171.